The following is an entry in ClinVar:

NM_000553.6(WRN):c.3561G>T (p.Met1187Ile)

Gene: WRN (WRN RecQ like helicase; plus strand). Cytogenetic location: 8p12.
Variant type: single nucleotide variant.
Coding change: c.3561G>T on transcript NM_000553.6 (MANE Select); coding-DNA position 3561, G replaced by T.
Protein change: p.Met1187Ile; replaces methionine 1187 with isoleucine.
Molecular consequence: missense variant.
Genome position (GRCh38, 1-based): chr8:31,147,465, G>T. VCF-style: chr8-31147465-G-T. GRCh37 (hg19) VCF-style: chr8-31004981-G-T.
Other names: short protein forms M1187I.
Identifiers: ClinVar variation 1719262 (VCV001719262.3), dbSNP rs1171713712, ClinGen allele CA370926145.
Genomic context (GRCh38, chr8:31,147,465, plus strand): 5'-TGCCAATAAAATGGATGTTCCCCCAGCTATTCTGGCAACAAACAAGATACTGGTGGATAT[G>T]GCCAAAATGAGGTAAACTATCTTTTGCATGTGTTCTATTTATTTCCTTCTAACAAAATAG-3'
Protein context (NP_000544.2, residues 1177-1197): ILATNKILVD[Met1187Ile]AKMRPTTVEN

ClinVar aggregate classification (germline): Uncertain significance (1 of 4 stars; one submission).

Conditions:
Werner syndrome (WRN). Identifiers: Orphanet 902, MedGen C0043119, MONDO:0010196, OMIM 277700.

Submission:

Labcorp Genetics (formerly Invitae), Labcorp
Classification: Uncertain significance for Werner syndrome. Last evaluated: 2022-09-14. Review status: criteria provided, single submitter. Criteria: Invitae Variant Classification Sherloc (09022015). Collection method: clinical testing. Allele origin: germline.
Comment: In summary, the available evidence is currently insufficient to determine the role of this variant in disease. Therefore, it has been classified as a Variant of Uncertain Significance. Algorithms developed to predict the effect of missense changes on protein structure and function are either unavailable or do not agree on the potential impact of this missense change (SIFT: "Not Available"; PolyPhen-2: "Possibly Damaging"; Align-GVGD: "Not Available"). This variant has not been reported in the literature in individuals affected with WRN-related conditions. This variant is not present in population databases (gnomAD no frequency). This sequence change replaces methionine, which is neutral and non-polar, with isoleucine, which is neutral and non-polar, at codon 1187 of the WRN protein (p.Met1187Ile).